The following is an entry in ClinVar:

NM_000059.4(BRCA2):c.4593dup (p.Val1532fs)

Gene: BRCA2 (BRCA2 DNA repair associated; plus strand). Cytogenetic location: 13q13.1.
Variant type: Duplication.
Coding change: c.4593dup on transcript NM_000059.4 (MANE Select); coding-DNA position 4593, one base duplicated (A; older notation c.4593dupA).
Protein change: p.Val1532fs; shifts the reading frame from valine 1532.
Molecular consequence: frameshift variant.
Genome position (GRCh38, 1-based): chr13:32,338,948, A duplicated; the last of 6 consecutive A bases (chr13:32,338,943-32,338,948); duplicating any one gives the same sequence. VCF-style (leftmost placement, unchanged base first): chr13-32338942-G-GA. GRCh37 (hg19) VCF-style: chr13-32913079-G-GA.
Other names: 4821insA; c.4593dupA (NM_000059.3); short protein forms V1532fs.
Identifiers: ClinVar variation 51681 (VCV000051681.27), dbSNP rs397507731, ClinGen allele CA020508.

ClinVar aggregate classification (germline): Pathogenic. Review status: reviewed by expert panel (3 of 4 stars). 11 submissions from 11 submitters: Pathogenic (1). 10 of the submissions do not count toward it. Last evaluated 2016-09-08.

Conditions:
Hereditary breast ovarian cancer syndrome. Also called: Hereditary breast and ovarian cancer syndrome; Hereditary breast and ovarian cancer; Hereditary breast and ovarian cancer syndrome (HBOC); Breast and ovarian cancer; Hereditary breast and/or ovarian cancer syndrome; BRCA1- and BRCA2-Associated Hereditary Breast and Ovarian Cancer. Identifiers: Orphanet 145, MedGen C0677776, MeSH D061325, MONDO:0003582. Disease mechanism: loss of function.
Breast-ovarian cancer, familial, susceptibility to, 2 (BROVCA2). Also called: BRCA2 Hereditary Breast and Ovarian Cancer. Identifiers: Orphanet 145, MedGen C2675520, MONDO:0012933, OMIM 612555. Disease mechanism: loss of function.
Hereditary cancer-predisposing syndrome. Also called: Neoplastic Syndromes, Hereditary; Tumor predisposition; Hereditary Cancer Syndrome; Hereditary neoplastic syndrome. Identifiers: Orphanet 140162, MedGen C0027672, MeSH D009386, MONDO:0015356.
Familial cancer of breast. Also called: BREAST CANCER, FAMILIAL; Hereditary breast cancer; hereditary breast carcinoma. Identifiers: Orphanet 227535, MedGen C0346153, MONDO:0016419, OMIM 114480. Disease mechanism: loss of function.

Submissions (11):

Evidence-based Network for the Interpretation of Germline Mutant Alleles (ENIGMA)
Classification: Pathogenic for Breast-ovarian cancer, familial, susceptibility to, 2. Last evaluated: 2016-09-08. Review status: reviewed by expert panel. Criteria: ENIGMA BRCA1/2 Classification Criteria (2015). Collection method: curation. Allele origin: germline.
Comment: Variant allele predicted to encode a truncated non-functional protein.

Labcorp Genetics (formerly Invitae), Labcorp
Classification: Pathogenic for Hereditary breast ovarian cancer syndrome. Last evaluated: 2025-07-17. Review status: criteria provided, single submitter. Criteria: Invitae Variant Classification Sherloc (09022015). Collection method: clinical testing. Allele origin: germline. Not counted in ClinVar's aggregate classification.
Comment: This sequence change creates a premature translational stop signal (p.Val1532Serfs*2) in the BRCA2 gene. It is expected to result in an absent or disrupted protein product. Loss-of-function variants in BRCA2 are known to be pathogenic (PMID: 20104584). The frequency data for this variant in the population databases is considered unreliable, as metrics indicate poor data quality at this position in the gnomAD database. This premature translational stop signal has been observed in individual(s) with mesothelioma and breast or ovarian cancer (PMID: 11802209, 26556299). This variant is also known as 4821insA. ClinVar contains an entry for this variant (Variation ID: 51681). For these reasons, this variant has been classified as Pathogenic.

Molecular Pathology, Peter Maccallum Cancer Centre
Classification: Pathogenic for Breast-ovarian cancer, familial, susceptibility to, 2. Last evaluated: 2024-09-17. Review status: criteria provided, single submitter. Criteria: ACMG Guidelines, 2015. Collection method: clinical testing. Allele origin: germline. Inheritance: Autosomal dominant inheritance. Not counted in ClinVar's aggregate classification.

Ambry Genetics
Classification: Pathogenic for Hereditary cancer-predisposing syndrome. Last evaluated: 2023-10-06. Review status: criteria provided, single submitter. Criteria: Ambry Variant Classification Scheme 2023. Collection method: clinical testing. Allele origin: germline. Not counted in ClinVar's aggregate classification.
Comment: The c.4593dupA pathogenic mutation (also known as 4821insA), located in coding exon 10 of the BRCA2 gene, results from a duplication of A at nucleotide position 4593, causing a translational frameshift with a predicted alternate stop codon (p.V1532Sfs*2). This mutation has been previously reported in two breast and ovarian cancer families from Germany and France, respectively (Meindl A et al. Int. J. Cancer 2002 Feb; 97(4):472-80; Rebbeck T et al. Hum. Mutat. 2018 May;39(5):593-620). In addition to the clinical data presented in the literature, this alteration is expected to result in loss of function by premature protein truncation or nonsense-mediated mRNA decay. As such, this alteration is interpreted as a disease-causing mutation.

Quest Diagnostics Nichols Institute San Juan Capistrano
Classification: Pathogenic. Last evaluated: 2023-02-28. Review status: criteria provided, single submitter. Criteria: Quest Diagnostics criteria. Collection method: clinical testing. Allele origin: unknown. Not counted in ClinVar's aggregate classification.
Comment: This frameshift variant alters the translational reading frame of the BRCA2 mRNA and causes the premature termination of BRCA2 protein synthesis. The frequency of this variant in the general population, 0.000004 (1/250310 chromosomes), is consistent with pathogenicity. In the published literature, the variant has been reported in individuals with breast and/or ovarian cancer (PMIDs: 29446198 (2018), 11802209 (2002)), prostate cancer (PMID: 33804961 (2021)), and mesothelioma (PMID: 26556299 (2016)). Based on the available information, this variant is classified as pathogenic.

Revvity Omics, Revvity
Classification: Pathogenic. Last evaluated: 2022-10-05. Review status: criteria provided, single submitter. Criteria: ACMG Guidelines, 2015. Collection method: clinical testing. Allele origin: germline. Not counted in ClinVar's aggregate classification.

Laboratory for Molecular Medicine, Mass General Brigham Personalized Medicine
Classification: Pathogenic for Hereditary breast ovarian cancer syndrome. Last evaluated: 2020-06-19. Review status: criteria provided, single submitter. Criteria: ACMG Guidelines, 2015. Collection method: clinical testing. Allele origin: germline. Not counted in ClinVar's aggregate classification.
Comment: The p.Val1532SerfsX2 variant in BRCA2 has been identified in 2 individuals with BRCA2-related cancers (Schrader 2016 PubMed: 26556299, Meindl 2002 PubMed: 11802209) and was classified as pathogenic on Septmeber 08, 2016 by the ClinGen-approved ENIGMA expert panel (ClinVar SCV000300770.2). This variant has been identified in 0.0009% (1/113178) of European chromosomes by gnomAD; however, this frequency is low enough to be consistent with the frequency of hereditary breast and ovarian cancer (HBOC) in the general population. This variant is predicted to cause a frameshift, which alters the protein’s amino acid sequence beginning at position 1532 and leads to a premature termination codon 2 amino acids downstream. This alteration is then predicted to lead to a truncated or absent protein. Loss of function of the BRCA2 gene is an established disease mechanism in autosomal dominant HBOC. In summary, this variant meets criteria to be classified as pathogenic for autosomal dominant HBOC. ACMG/AMP Criteria applied: PVS1, PM2, PS4_Supporting.

GeneDx
Classification: Pathogenic. Last evaluated: 2019-10-23. Review status: criteria provided, single submitter. Criteria: GeneDx Variant Classification Process June 2021. Collection method: clinical testing. Allele origin: germline. Affected: yes. Not counted in ClinVar's aggregate classification.
Comment: Frameshift variant predicted to result in protein truncation or nonsense mediated decay in a gene for which loss-of-function is a known mechanism of disease; Not observed at a significant frequency in large population cohorts (Lek et al., 2016); Reported as pathogenic in ClinVar but additional evidence is not available (ClinVar SCV000300770.2; Landrum et al., 2016); Reported as c.4821insA in a family with hereditary breast and ovarian cancer and in an individual with mesothelioma (Meindl et al., 2002; Schrader et al., 2016); This variant is associated with the following publications: (PMID: 26556299, 11802209)

Consortium of Investigators of Modifiers of BRCA1/2 (CIMBA), c/o University of Cambridge
Classification: Pathogenic for Breast-ovarian cancer, familial, susceptibility to, 2. Last evaluated: 2015-10-02. Review status: criteria provided, single submitter. Criteria: CIMBA Mutation Classification guidelines May 2016. Collection method: clinical testing. Allele origin: germline. Not counted in ClinVar's aggregate classification.

Clinical Genetics Laboratory, University Hospital Schleswig-Holstein
Classification: Pathogenic for Familial cancer of breast. Last evaluated: 2021-11-02. Review status: no assertion criteria provided. Collection method: clinical testing. Allele origin: germline. Affected: yes. Not counted in ClinVar's aggregate classification.

Sharing Clinical Reports Project (SCRP)
Classification: Pathogenic for Breast-ovarian cancer, familial 2. Last evaluated: 2011-11-28. Review status: no assertion criteria provided. Collection method: clinical testing. Allele origin: germline. Not counted in ClinVar's aggregate classification.

Literature cited by the submitters: PubMed 20104584 (cited by Labcorp Genetics (formerly Invitae), Labcorp); PubMed 11802209 (cited by 4 submitters); PubMed 26556299 (cited by 3 submitters); PubMed 29446198 (cited by Quest Diagnostics Nichols Institute San Juan Capistrano); PubMed 33804961 (cited by Quest Diagnostics Nichols Institute San Juan Capistrano).